The following is an entry in ClinVar:

NM_000135.4(FANCA):c.522+507_793-1273del

Gene: FANCA (FA complementation group A; minus strand). Cytogenetic location: 16q24.3.
Variant type: Deletion.
Coding change: c.522+507_793-1273del on transcript NM_000135.4 (MANE Select); 507 bases into the intron after coding-DNA position 522 through 1273 bases into the intron before coding-DNA position 793, 9,290 bases deleted.
Molecular consequence: splice acceptor variant, splice donor variant.
Genome position (GRCh38, 1-based): chr16:89,800,911-89,810,200, 9,290 bases deleted. GRCh37 (hg19): chr16:89,867,339-89,876,628.
Other names: c.522+507_793-1273del (NM_001018112.3, NM_001286167.3); c.426+729_697-1273del (NM_001351830.2).
Identifiers: ClinVar variation 974193 (VCV000974193.1), ClinGen allele CA1139664977.

ClinVar aggregate classification (germline): Pathogenic (0 of 4 stars; one submission).

Conditions:
Fanconi anemia complementation group A (FANCA). Also called: Fanconi anemia, group A; FANCA-Related Fanconi Anemia. Identifiers: Orphanet 84, MedGen C3469521, MONDO:0009215, OMIM 227650.

Submission:

Leiden Open Variation Database
Classification: Pathogenic for Fanconi anemia complementation group A. Last evaluated: 2020-02-28. Review status: no assertion criteria provided. Collection method: curation. Allele origin: germline. Affected: yes.
Comment: Curator: Arleen D. Auerbach. Submitter to LOVD: Arleen D. Auerbach.

Literature cited by the submitters: PubMed 25168418.